The following is an entry in ClinVar:

NM_020975.6(RET):c.1360G>C (p.Val454Leu)

Gene: RET (ret proto-oncogene; plus strand). Cytogenetic location: 10q11.21.
Variant type: single nucleotide variant.
Coding change: c.1360G>C on transcript NM_020975.6 (MANE Select); coding-DNA position 1360, G replaced by C.
Protein change: p.Val454Leu; replaces valine 454 with leucine.
Molecular consequence: missense variant.
Genome position (GRCh38, 1-based): chr10:43,111,303, G>C. VCF-style: chr10-43111303-G-C. GRCh37 (hg19) VCF-style: chr10-43606751-G-C.
Other names: c.1360G>C, p.Val454Leu (NM_000323.2, NM_001406743.1, NM_001406744.1 and 6 more transcripts); c.598G>C, p.Val200Leu (NM_001355216.2); c.1231G>C, p.Val411Leu (NM_001406768.1, NM_001406761.1, NM_001406762.1 and 1 more transcripts); c.964G>C, p.Val322Leu (NM_001406769.1, NM_001406772.1); c.1072G>C, p.Val358Leu (NM_001406770.1, NM_001406766.1, NM_001406767.1); c.922G>C, p.Val308Leu (NM_001406771.1, NM_001406773.1); c.835G>C, p.Val279Leu (NM_001406774.1); c.634G>C, p.Val212Leu (NM_001406775.1, NM_001406776.1, NM_001406777.1 and 1 more transcripts); and 1 more; short protein forms V212L, V279L, V454L, V308L, V411L, V124L, V200L, V322L.
Identifiers: ClinVar variation 2066274 (VCV002066274.4), dbSNP rs1837917806, ClinGen allele CA376549205.
Genomic context (GRCh38, chr10:43,111,303, plus strand): 5'-AGTGGCATCAACGTCCAGTACAAGCTGCATTCCTCTGGTGCCAACTGCAGCACGCTAGGG[G>C]TGGTCACCTCAGCCGAGGACACCTCGGGGATCCTGTTTGTGAATGACACCAAGGCCCTGC-3'
Protein context (NP_066124.1, residues 444-464): SSGANCSTLG[Val454Leu]VTSAEDTSGI

ClinVar aggregate classification (germline): Uncertain significance (1 of 4 stars; one submission).

Conditions:
Multiple endocrine neoplasia, type 2 (MEN2). Identifiers: Orphanet 653, MedGen C4048306, MONDO:0019003. Disease mechanism: gain of function.

gnomAD v4.1: 1 of 1,614,172 alleles (0.000062%); highest among the groups gnomAD compares: Non-Finnish European, 0.000085%; no homozygotes.

Submission:

Labcorp Genetics (formerly Invitae), Labcorp
Classification: Uncertain significance for Multiple endocrine neoplasia, type 2. Last evaluated: 2022-01-05. Review status: criteria provided, single submitter. Criteria: Invitae Variant Classification Sherloc (09022015). Collection method: clinical testing. Allele origin: germline.
Comment: Algorithms developed to predict the effect of missense changes on protein structure and function (SIFT, PolyPhen-2, Align-GVGD) all suggest that this variant is likely to be tolerated. In summary, the available evidence is currently insufficient to determine the role of this variant in disease. Therefore, it has been classified as a Variant of Uncertain Significance. This variant has not been reported in the literature in individuals affected with RET-related conditions. This variant is not present in population databases (gnomAD no frequency). This sequence change replaces valine, which is neutral and non-polar, with leucine, which is neutral and non-polar, at codon 454 of the RET protein (p.Val454Leu).